The following is an entry in ClinVar:

NM_001258392.3(CLPB):c.973G>A (p.Ala325Thr)

Gene: CLPB (ClpB family mitochondrial disaggregase; minus strand). Cytogenetic location: 11q13.4.
Variant type: single nucleotide variant.
Coding change: c.973G>A on transcript NM_001258392.3 (MANE Select); coding-DNA position 973, G replaced by A.
Protein change: p.Ala325Thr; replaces alanine 325 with threonine.
Molecular consequence: missense variant.
Genome position (GRCh38, 1-based): chr11:72,317,121, C>T on the plus strand (G>A on the coding strand, the complement: CLPB is on the minus strand). VCF-style: chr11-72317121-C-T. GRCh37 (hg19) VCF-style: chr11-72028165-C-T.
Other names: c.886G>A, p.Ala296Thr (NM_001258393.3); c.928G>A, p.Ala310Thr (NM_001258394.3); c.1063G>A, p.Ala355Thr (NM_030813.6); short protein forms A296T, A325T, A355T, A310T.
Identifiers: ClinVar variation 3003844 (VCV003003844.3), dbSNP rs149408757, ClinGen allele CA224395607.
Genomic context (GRCh38, chr11:72,317,121, plus strand): 5'-CTCAAAGGGCACCACTCTGCCCTTTCTGGTGTCCCACACACTCACCAGCACCCACTGTGG[C>T]GATGGCGCTCTCCTGGCCAATGATGTGCTCCTTTAGTCGCTGCTCCAGGGGGAAGCGGCG-3'
Protein context (NP_001245321.1, residues 315-335): EHIIGQESAI[Ala325Thr]TVGAAIRRKE

ClinVar aggregate classification (germline): Uncertain significance (1 of 4 stars; one submission).

Conditions:
3-methylglutaconic aciduria, type VIIB (MGCA7B). Also called: 3-methylglutaconic aciduria with cataracts, neurologic involvement and neutropenia; 3-methylglutaconic aciduria, type VII, with cataracts, neurologic involvement and neutropenia; CLPB Deficiency. Identifiers: Orphanet 445038, MedGen C5676893, MONDO:0014561, OMIM 616271.

Allele frequency attached by ClinVar (database versions not stated): gnomAD 0.00001; TOPMed 0.00001; ESP Exome Variant Server 0.00008.
gnomAD v4.1: 13 of 1,610,164 alleles (0.00081%); highest among the groups gnomAD compares: East Asian, 0.0022%; no homozygotes.

Submission:

Labcorp Genetics (formerly Invitae), Labcorp
Classification: Uncertain significance for 3-methylglutaconic aciduria, type VIIB. Last evaluated: 2025-09-22. Review status: criteria provided, single submitter. Criteria: Invitae Variant Classification Sherloc (09022015). Collection method: clinical testing. Allele origin: germline.
Comment: This sequence change replaces alanine, which is neutral and non-polar, with threonine, which is neutral and polar, at codon 355 of the CLPB protein (p.Ala355Thr). This variant is not present in population databases (gnomAD no frequency). This variant has not been reported in the literature in individuals affected with CLPB-related conditions. ClinVar contains an entry for this variant (Variation ID: 3003844). An algorithm developed to predict the effect of missense changes on protein structure and function outputs the following: PolyPhen-2: "Benign". The threonine amino acid residue is found in multiple mammalian species, which suggests that this missense change does not adversely affect protein function. In summary, the available evidence is currently insufficient to determine the role of this variant in disease. Therefore, it has been classified as a Variant of Uncertain Significance.